The following is an entry in ClinVar:

ClinVar aggregate classification (germline): Uncertain significance (1 of 4 stars; one submission).

Submission:

GeneDx
Classification: Uncertain significance. Last evaluated: 2024-04-03. Review status: criteria provided, single submitter. Criteria: GeneDx Variant Classification Process June 2021. Collection method: clinical testing. Allele origin: germline. Affected: yes.
Comment: Not observed at significant frequency in large population cohorts (gnomAD); In silico analysis supports that this missense variant has a deleterious effect on protein structure/function; Has not been previously published as pathogenic or benign to our knowledge

NM_001162501.2(TNRC6B):c.3160A>T (p.Asn1054Tyr)

Gene: TNRC6B (trinucleotide repeat containing adaptor 6B; plus strand). Cytogenetic location: 22q13.1.
Variant type: single nucleotide variant.
Coding change: c.3160A>T on transcript NM_001162501.2 (MANE Select); coding-DNA position 3160, A replaced by T.
Protein change: p.Asn1054Tyr; replaces asparagine 1054 with tyrosine.
Molecular consequence: missense variant.
Genome position (GRCh38, 1-based): chr22:40,277,095, A>T. VCF-style: chr22-40277095-A-T. GRCh37 (hg19) VCF-style: chr22-40673099-A-T.
Other names: c.919A>T, p.Asn307Tyr (NM_001024843.2); c.3001A>T, p.Asn1001Tyr (NM_015088.3); short protein forms N1001Y, N1054Y, N307Y.
Identifiers: ClinVar variation 3372009 (VCV003372009.1).